The following is an entry in ClinVar:

ClinVar aggregate classification (germline): Benign/Likely benign. Review status: criteria provided, multiple submitters, no conflicts (2 of 4 stars). 4 submissions from 4 submitters: Benign (2); Likely benign (1). 1 of the submissions does not count toward it. Last evaluated 2022-02-15.

Conditions:
Intellectual developmental disorder and retinitis pigmentosa; IDDRP. Also called: INTELLECTUAL DEVELOPMENTAL DISORDER AND RETINITIS PIGMENTOSA. Identifiers: MedGen C4748658, MONDO:0032594, OMIM 618195.
SCAPER-related disorder. Also called: SCAPER-related condition.

Allele frequency attached by ClinVar (database versions not stated): 1000 Genomes Project 30x 0.00859; gnomAD 0.00987 and 0.00921; gnomAD exomes 0.00081 and 0.00202; ExAC 0.00262; 1000 Genomes Project 0.00819; ESP Exome Variant Server 0.01026; TOPMed 0.01065.
gnomAD v4.1: 2,625 of 1,611,842 alleles (0.16%); highest among the groups gnomAD compares: African/African-American, 3.2%; 45 homozygotes.

Submissions (4):

Fulgent Genetics
Classification: Likely benign for Intellectual developmental disorder and retinitis pigmentosa; IDDRP. Last evaluated: 2022-02-15. Review status: criteria provided, single submitter. Criteria: ACMG Guidelines, 2015. Collection method: clinical testing. Allele origin: unknown.

Labcorp Genetics (formerly Invitae), Labcorp
Classification: Benign. Last evaluated: 2019-12-31. Review status: criteria provided, single submitter. Criteria: Invitae Variant Classification Sherloc (09022015). Collection method: clinical testing. Allele origin: germline.

Breakthrough Genomics
Classification: Benign. Review status: criteria provided, single submitter. Criteria: ACMG Guidelines, 2015. Collection method: not provided. Allele origin: germline. Inheritance: Autosomal recessive inheritance. Affected: yes.

PreventionGenetics, part of Exact Sciences
Classification: Benign for SCAPER-related condition. Last evaluated: 2019-02-21. Review status: no assertion criteria provided. Collection method: clinical testing. Allele origin: germline. Not counted in ClinVar's aggregate classification.
Comment: This variant is classified as benign based on ACMG/AMP sequence variant interpretation guidelines (Richards et al. 2015 PMID: 25741868, with internal and published modifications).

NM_020843.4(SCAPER):c.95G>A (p.Ser32Asn)

Gene: SCAPER (S-phase cyclin A associated protein in the ER; minus strand). Cytogenetic location: 15q24.3.
Variant type: single nucleotide variant.
Coding change: c.95G>A on transcript NM_020843.4 (MANE Select); coding-DNA position 95, G replaced by A.
Protein change: p.Ser32Asn; replaces serine 32 with asparagine.
Molecular consequence: missense variant. On other transcripts: 5 prime UTR variant (3), non-coding transcript variant (1).
Genome position (GRCh38, 1-based): chr15:76,862,445, C>T on the plus strand (G>A on the coding strand, the complement: SCAPER is on the minus strand). VCF-style: chr15-76862445-C-T. GRCh37 (hg19) VCF-style: chr15-77154786-C-T.
Other names: c.95G>A, p.Ser32Asn (NM_001353009.2); c.-363G>A (NM_001353010.2); c.-426G>A (NM_001353011.2); c.-308G>A (NM_001353012.2); c.95G>A (NM_001353009.1); short protein forms S32N.
Identifiers: ClinVar variation 782600 (VCV000782600.8), dbSNP rs114705075, ClinGen allele CA7675292.